The following is an entry in ClinVar:

NM_007118.4(TRIO):c.6084-2A>G

Gene: TRIO (trio Rho guanine nucleotide exchange factor; plus strand). Cytogenetic location: 5p15.2.
Variant type: single nucleotide variant.
Coding change: c.6084-2A>G on transcript NM_007118.4 (MANE Select); the canonical splice acceptor site of the intron before coding-DNA position 6084, A replaced by G.
Molecular consequence: splice acceptor variant.
Genome position (GRCh38, 1-based): chr5:14,476,892, A>G. VCF-style: chr5-14476892-A-G. GRCh37 (hg19) VCF-style: chr5-14477001-A-G.
Identifiers: ClinVar variation 4849579 (VCV004849579.1).

ClinVar aggregate classification (germline): Pathogenic (1 of 4 stars; one submission).

Conditions:
Intellectual developmental disorder, autosomal dominant 44, with microcephaly. Also called: Micrognathia-recurrent infections-behavioral abnormalities-mild intellectual disability syndrome; TRIO-Related Intellectual Disability. Identifiers: Orphanet 476126, MedGen C4310740, MONDO:0014892, OMIM 617061.

Submission:

Service of Pediatric Gastrohepatology and Metabolic Diseases, University of Medicine of Tirana
Classification: Pathogenic for Intellectual developmental disorder, autosomal dominant 44, with microcephaly. Last evaluated: 2026-04-29. Review status: criteria provided, single submitter. Criteria: ACMG Guidelines, 2015. Collection method: clinical testing. Allele origin: germline. Inheritance: Autosomal dominant inheritance. Affected: yes. Observed: 1 variant allele.
Comment: TRIO c.6084-2A>G was classified as Pathogenic using ACMG/AMP 2015 criteria (PMID:25741868). The canonical splice-acceptor alteration supports PVS1 in TRIO where splice disruption is expected to affect function, with PM2 for rarity/absence in population databases when reviewed, PP3 for predicted splice impact, and PP4 for phenotype consistency with intellectual developmental disorder, autosomal dominant 44 (OMIM:617061).